The following is an entry in ClinVar:

NM_004168.4(SDHA):c.1879C>A (p.Leu627Met)

Gene: SDHA (succinate dehydrogenase complex flavoprotein subunit A; plus strand). Cytogenetic location: 5p15.33.
Variant type: single nucleotide variant.
Coding change: c.1879C>A on transcript NM_004168.4 (MANE Select); coding-DNA position 1879, C replaced by A.
Protein change: p.Leu627Met; replaces leucine 627 with methionine.
Molecular consequence: missense variant.
Genome position (GRCh38, 1-based): chr5:254,477, C>A. VCF-style: chr5-254477-C-A. GRCh37 (hg19) VCF-style: chr5-254592-C-A.
Other names: c.1735C>A, p.Leu579Met (NM_001294332.2); c.1636C>A, p.Leu546Met (NM_001330758.2); short protein forms L546M, L579M, L627M.
Identifiers: ClinVar variation 2561179 (VCV002561179.2), dbSNP rs1169965410, ClinGen allele CA359002103.

ClinVar aggregate classification (germline): Uncertain significance (1 of 4 stars; one submission).

Conditions:
Hereditary cancer-predisposing syndrome. Also called: Neoplastic Syndromes, Hereditary; Hereditary Cancer Syndrome; Hereditary neoplastic syndrome; Tumor predisposition. Identifiers: Orphanet 140162, MedGen C0027672, MeSH D009386, MONDO:0015356.

Allele frequency attached by ClinVar (database versions not stated): TOPMed below 0.00001.

Submission:

Ambry Genetics
Classification: Uncertain significance for Hereditary cancer-predisposing syndrome. Last evaluated: 2023-04-13. Review status: criteria provided, single submitter. Criteria: Ambry Variant Classification Scheme 2023. Collection method: clinical testing. Allele origin: germline.
Comment: The p.L627M variant (also known as c.1879C>A), located in coding exon 14 of the SDHA gene, results from a C to A substitution at nucleotide position 1879. The leucine at codon 627 is replaced by methionine, an amino acid with highly similar properties. This amino acid position is conserved. In addition, the in silico prediction for this alteration is inconclusive. Since supporting evidence is limited at this time, the clinical significance of this alteration remains unclear.